The following is an entry in ClinVar:

ClinVar aggregate classification (germline): Uncertain significance (1 of 4 stars; one submission).

Submission:

Labcorp Genetics (formerly Invitae), Labcorp
Classification: Uncertain significance. Last evaluated: 2022-09-06. Review status: criteria provided, single submitter. Criteria: Invitae Variant Classification Sherloc (09022015). Collection method: clinical testing. Allele origin: germline.
Comment: This sequence change replaces alanine, which is neutral and non-polar, with aspartic acid, which is acidic and polar, at codon 937 of the PITPNM3 protein (p.Ala937Asp). In summary, the available evidence is currently insufficient to determine the role of this variant in disease. Therefore, it has been classified as a Variant of Uncertain Significance. Algorithms developed to predict the effect of missense changes on protein structure and function (SIFT, PolyPhen-2, Align-GVGD) all suggest that this variant is likely to be tolerated. This variant has not been reported in the literature in individuals affected with PITPNM3-related conditions. This variant is not present in population databases (gnomAD no frequency).

NM_031220.4(PITPNM3):c.2810C>A (p.Ala937Asp)

Gene: PITPNM3 (PITPNM family member 3; minus strand). Cytogenetic location: 17p13.2.
Variant type: single nucleotide variant.
Coding change: c.2810C>A on transcript NM_031220.4 (MANE Select); coding-DNA position 2810, C replaced by A.
Protein change: p.Ala937Asp; replaces alanine 937 with aspartic acid.
Molecular consequence: missense variant.
Genome position (GRCh38, 1-based): chr17:6,455,453, G>T on the plus strand (C>A on the coding strand, the complement: PITPNM3 is on the minus strand). VCF-style: chr17-6455453-G-T. GRCh37 (hg19) VCF-style: chr17-6358773-G-T.
Other names: c.2702C>A, p.Ala901Asp (NM_001165966.2); short protein forms A901D, A937D.
Identifiers: ClinVar variation 1718779 (VCV001718779.5), dbSNP rs1206950374, ClinGen allele CA397399903.